The following is an entry in ClinVar:

NM_005334.3(HCFC1):c.5276A>C (p.Asn1759Thr)

Gene: HCFC1 (host cell factor C1; minus strand). Cytogenetic location: Xq28.
Variant type: single nucleotide variant.
Coding change: c.5276A>C on transcript NM_005334.3 (MANE Select); coding-DNA position 5276, A replaced by C.
Protein change: p.Asn1759Thr; replaces asparagine 1759 with threonine.
Molecular consequence: missense variant.
Genome position (GRCh38, 1-based): chrX:153,951,692, T>G on the plus strand (A>C on the coding strand, the complement: HCFC1 is on the minus strand). VCF-style: chrX-153951692-T-G. GRCh37 (hg19) VCF-style: chrX-153217143-T-G.
Other names: short protein forms N1759T.
Identifiers: ClinVar variation 862802 (VCV000862802.10), dbSNP rs782384589, ClinGen allele CA415105544.

ClinVar aggregate classification (germline): Uncertain significance (1 of 4 stars; one submission).

Conditions:
Methylmalonic acidemia with homocystinuria, type cblX (MAHCX). Also called: INTELLECTUAL DEVELOPMENTAL DISORDER, X-LINKED 3. Identifiers: Orphanet 369962, MedGen C0796208, MONDO:0010657, OMIM 309541.

Submission:

Labcorp Genetics (formerly Invitae), Labcorp
Classification: Uncertain significance for Methylmalonic acidemia with homocystinuria, type cblX. Last evaluated: 2022-08-16. Review status: criteria provided, single submitter. Criteria: Invitae Variant Classification Sherloc (09022015). Collection method: clinical testing. Allele origin: germline.
Comment: ClinVar contains an entry for this variant (Variation ID: 862802). This variant has not been reported in the literature in individuals affected with HCFC1-related conditions. This variant is not present in population databases (gnomAD no frequency). This sequence change replaces asparagine, which is neutral and polar, with threonine, which is neutral and polar, at codon 1759 of the HCFC1 protein (p.Asn1759Thr). Algorithms developed to predict the effect of missense changes on protein structure and function are either unavailable or do not agree on the potential impact of this missense change (SIFT: "Deleterious"; PolyPhen-2: "Benign"; Align-GVGD: "Class C0"). In summary, the available evidence is currently insufficient to determine the role of this variant in disease. Therefore, it has been classified as a Variant of Uncertain Significance.